The following is an entry in ClinVar:

NM_006767.4(LZTR1):c.1354A>G (p.Lys452Glu)

Gene: LZTR1 (leucine zipper like post translational regulator 1; plus strand). Cytogenetic location: 22q11.21.
Variant type: single nucleotide variant.
Coding change: c.1354A>G on transcript NM_006767.4 (MANE Select); coding-DNA position 1354, A replaced by G.
Protein change: p.Lys452Glu; replaces lysine 452 with glutamic acid.
Molecular consequence: missense variant.
Genome position (GRCh38, 1-based): chr22:20,993,924, A>G. VCF-style: chr22-20993924-A-G. GRCh37 (hg19) VCF-style: chr22-21348213-A-G.
Other names: short protein forms K452E.
Identifiers: ClinVar variation 1021211 (VCV001021211.18), dbSNP rs200296313, ClinGen allele CA10118858.

ClinVar aggregate classification (germline): Conflicting classifications of pathogenicity. Review status: criteria provided, conflicting classifications (1 of 4 stars). 7 submissions from 7 submitters: Uncertain significance (6); Likely benign (1). Last evaluated 2026-01-31.

Conditions:
Hereditary cancer-predisposing syndrome. Also called: Hereditary neoplastic syndrome; Neoplastic Syndromes, Hereditary; Tumor predisposition; Hereditary Cancer Syndrome. Identifiers: Orphanet 140162, MedGen C0027672, MeSH D009386, MONDO:0015356.
Cardiovascular phenotype. Identifiers: MedGen CN230736.
LZTR1-related schwannomatosis. Also called: Schwannomatosis-2, susceptibility to; Schwannomatosis 2. Identifiers: Orphanet 93921, MedGen C3810283, MONDO:0014299, OMIM 615670.

Allele frequency attached by ClinVar (database versions not stated): gnomAD exomes 0.00004 and 0.00013; ExAC 0.00005; gnomAD 0.00006 and 0.00007; TOPMed 0.00008.
gnomAD v4.1: 188 of 1,611,526 alleles (0.012%); highest among the groups gnomAD compares: Non-Finnish European, 0.016%; no homozygotes.

Submissions (7):

Labcorp Genetics (formerly Invitae), Labcorp
Classification: Uncertain significance. Last evaluated: 2026-01-31. Review status: criteria provided, single submitter. Criteria: Invitae Variant Classification Sherloc (09022015). Collection method: clinical testing. Allele origin: germline.
Comment: This sequence change replaces lysine, which is basic and polar, with glutamic acid, which is acidic and polar, at codon 452 of the LZTR1 protein (p.Lys452Glu). This variant is present in population databases (rs200296313, gnomAD 0.009%). This variant has not been reported in the literature in individuals affected with LZTR1-related conditions. ClinVar contains an entry for this variant (Variation ID: 1021211). An algorithm developed to predict the effect of missense changes on protein structure and function (PolyPhen-2) suggests that this variant is likely to be tolerated. In summary, the available evidence is currently insufficient to determine the role of this variant in disease. Therefore, it has been classified as a Variant of Uncertain Significance.

Women's Health and Genetics/Laboratory Corporation of America, LabCorp
Classification: Uncertain significance. Last evaluated: 2025-02-21. Review status: criteria provided, single submitter. Criteria: LabCorp Variant Classification Summary - May 2015. Collection method: clinical testing. Allele origin: germline.
Comment: Variant summary: LZTR1 c.1354A>G (p.Lys452Glu) results in a conservative amino acid change located in the BTB/POZ domain (IPR000210) of the encoded protein sequence. Four of five in-silico tools predict a benign effect of the variant on protein function. Consensus agreement among computation tools predict no significant impact on normal splicing. However, these predictions have yet to be confirmed by functional studies. The variant allele was found at a frequency of 4.5e-05 in 246374 control chromosomes. This frequency is not significantly higher than estimated for a pathogenic variant in LZTR1 causing Noonan Syndrome 2 (4.5e-05 vs 0.0032), allowing no conclusion about variant significance. To our knowledge, no occurrence of c.1354A>G in individuals affected with LZTR1-related conditions and no experimental evidence demonstrating its impact on protein function have been reported. ClinVar contains an entry for this variant (Variation ID: 1021211). Based on the evidence outlined above, the variant was classified as uncertain significance.

GeneDx
Classification: Uncertain significance. Last evaluated: 2025-01-30. Review status: criteria provided, single submitter. Criteria: GeneDx Variant Classification Process June 2021. Collection method: clinical testing. Allele origin: germline.
Comment: In silico analysis indicates that this missense variant does not alter protein structure/function; Has not been previously published as pathogenic or benign to our knowledge

Ambry Genetics
Classification: Uncertain significance for Cardiovascular phenotype; Hereditary cancer-predisposing syndrome. Last evaluated: 2024-10-07. Review status: criteria provided, single submitter. Criteria: Ambry Variant Classification Scheme 2023. Collection method: clinical testing. Allele origin: germline.
Comment: The p.K452E variant (also known as c.1354A>G) is located in coding exon 13 of the LZTR1 gene. The lysine at codon 452 is replaced by glutamic acid, an amino acid with similar properties. This change occurs in the first base pair of coding exon 13. This amino acid position is well conserved in available vertebrate species. In addition, this alteration is predicted to be tolerated by in silico analysis. Based on the available evidence, the clinical significance of this variant remains unclear.

Blueprint Genetics
Classification: Likely benign. Last evaluated: 2024-05-08. Review status: criteria provided, single submitter. Criteria: ACMG Guidelines, 2015. Collection method: clinical testing. Allele origin: germline.

ARUP Laboratories, Molecular Genetics and Genomics, ARUP Laboratories
Classification: Uncertain significance. Last evaluated: 2024-02-23. Review status: criteria provided, single submitter. Criteria: ARUP Molecular Germline Variant Investigation Process 2024. Collection method: clinical testing. Allele origin: germline.
Comment: The LZTR1 c.1354A>G; p.Lys452Glu variant (rs200296313), to our knowledge, is not reported in the medical literature but is reported in ClinVar (Variation ID: 1021211). This variant is found in the non-Finnish European population with an allele frequency of 0.009% (11/126,796 alleles) in the Genome Aggregation Database (v2.1.1). Computational analyses are uncertain whether this variant is neutral or deleterious (REVEL: 0.241). Additionally, this variant occurs at the first base of exon 13 and may impact the acceptor splice site, however, further study is needed to determine the functional impact. Due to limited information, the clinical significance of this variant is uncertain at this time.

Baylor Genetics
Classification: Uncertain significance for LZTR1-related schwannomatosis. Last evaluated: 2024-02-10. Review status: criteria provided, single submitter. Criteria: ACMG Guidelines, 2015. Collection method: clinical testing. Allele origin: unknown.